The following is an entry in ClinVar:

ClinVar aggregate classification (germline): Uncertain significance (1 of 4 stars; one submission).

Conditions:
Gorlin syndrome. Also called: Basal cell nevus syndrome; Nevoid Basal Cell Carcinoma Syndrome. Identifiers: Orphanet 377, MedGen C0004779, MONDO:0007187.

gnomAD v4.1: 1 of 1,614,100 alleles (0.000062%); highest among the groups gnomAD compares: Non-Finnish European, 0.000085%; no homozygotes.

Submission:

Labcorp Genetics (formerly Invitae), Labcorp
Classification: Uncertain significance for Gorlin syndrome. Last evaluated: 2023-12-07. Review status: criteria provided, single submitter. Criteria: Invitae Variant Classification Sherloc (09022015). Collection method: clinical testing. Allele origin: germline.
Comment: This sequence change replaces threonine, which is neutral and polar, with isoleucine, which is neutral and non-polar, at codon 861 of the PTCH2 protein (p.Thr861Ile). This variant is not present in population databases (gnomAD no frequency). This variant has not been reported in the literature in individuals affected with PTCH2-related conditions. Advanced modeling of protein sequence and biophysical properties (such as structural, functional, and spatial information, amino acid conservation, physicochemical variation, residue mobility, and thermodynamic stability) has been performed at Invitae for this missense variant, however the output from this modeling did not meet the statistical confidence thresholds required to predict the impact of this variant on PTCH2 protein function. In summary, the available evidence is currently insufficient to determine the role of this variant in disease. Therefore, it has been classified as a Variant of Uncertain Significance.

NM_003738.5(PTCH2):c.2582C>T (p.Thr861Ile)

Gene: PTCH2 (patched 2; minus strand). Cytogenetic location: 1p34.1.
Variant type: single nucleotide variant.
Coding change: c.2582C>T on transcript NM_003738.5 (MANE Select); coding-DNA position 2582, C replaced by T.
Protein change: p.Thr861Ile; replaces threonine 861 with isoleucine.
Molecular consequence: missense variant.
Genome position (GRCh38, 1-based): chr1:44,827,015, G>A on the plus strand (C>T on the coding strand, the complement: PTCH2 is on the minus strand). VCF-style: chr1-44827015-G-A. GRCh37 (hg19) VCF-style: chr1-45292687-G-A.
Other names: c.2582C>T, p.Thr861Ile (NM_001166292.2); short protein forms T861I.
Identifiers: ClinVar variation 2750300 (VCV002750300.3), dbSNP rs1452021020, ClinGen allele CA340094526.
Genomic context (GRCh38, chr1:44,827,015, plus strand): 5'-GGGGGGTAGAAGTTGGCCTGTGAGGCTGCCAGACCCAGGGGGTCACTGCTCACCCACACG[G>A]TCAGCCCCATGTAGAAGAGCTCGGGTGGAATCAGTCCCTCTCTGTCCACCAGCTTCCTTG-3'
Protein context (NP_003729.3, residues 851-871): IPPELFYMGL[Thr861Ile]VWVSSDPLGL